The following is an entry in ClinVar:

ClinVar aggregate classification (germline): Uncertain significance. Review status: criteria provided, multiple submitters, no conflicts (2 of 4 stars). 3 submissions from 3 submitters: Uncertain significance (3). Last evaluated 2024-04-16.

Conditions:
Holoprosencephaly 11 (HPE11). Identifiers: Orphanet 2162, MedGen C3280215, MONDO:0013642, OMIM 614226.
Inborn genetic diseases. Identifiers: MedGen C0950123, MeSH D030342.

Allele frequency attached by ClinVar (database versions not stated): TOPMed 0.00007; ExAC 0.00005.
gnomAD v4.1: 22 of 1,613,998 alleles (0.0014%); highest among the groups gnomAD compares: East Asian, 0.025%; no homozygotes.

Submissions (3):

Ambry Genetics
Classification: Uncertain significance for Inborn genetic diseases. Last evaluated: 2024-04-16. Review status: criteria provided, single submitter. Criteria: Ambry Variant Classification Scheme 2023. Collection method: clinical testing. Allele origin: germline.

Labcorp Genetics (formerly Invitae), Labcorp
Classification: Uncertain significance for Holoprosencephaly 11. Last evaluated: 2022-07-18. Review status: criteria provided, single submitter. Criteria: Invitae Variant Classification Sherloc (09022015). Collection method: clinical testing. Allele origin: germline.
Comment: In summary, the available evidence is currently insufficient to determine the role of this variant in disease. Therefore, it has been classified as a Variant of Uncertain Significance. Algorithms developed to predict the effect of missense changes on protein structure and function (SIFT, PolyPhen-2, Align-GVGD) all suggest that this variant is likely to be disruptive. ClinVar contains an entry for this variant (Variation ID: 878003). This variant has not been reported in the literature in individuals affected with CDON-related conditions. This variant is present in population databases (rs780474749, gnomAD 0.03%). This sequence change replaces arginine, which is basic and polar, with tryptophan, which is neutral and slightly polar, at codon 142 of the CDON protein (p.Arg142Trp).

Illumina Laboratory Services, Illumina
Classification: Uncertain significance for Holoprosencephaly 11. Last evaluated: 2017-04-27. Review status: criteria provided, single submitter. Criteria: ICSL Variant Classification Criteria 13 December 2019. Collection method: clinical testing. Allele origin: germline.

NM_001378964.1(CDON):c.424A>T (p.Arg142Trp)

Gene: CDON (cell adhesion associated, oncogene regulated; minus strand). Cytogenetic location: 11q24.2.
Variant type: single nucleotide variant.
Coding change: c.424A>T on transcript NM_001378964.1 (MANE Select); coding-DNA position 424, A replaced by T.
Protein change: p.Arg142Trp; replaces arginine 142 with tryptophan.
Molecular consequence: missense variant.
Genome position (GRCh38, 1-based): chr11:126,019,691, T>A on the plus strand (A>T on the coding strand, the complement: CDON is on the minus strand). VCF-style: chr11-126019691-T-A. GRCh37 (hg19) VCF-style: chr11-125889586-T-A.
Other names: c.424A>T, p.Arg142Trp (NM_001243597.3, NM_016952.6); short protein forms R142W.
Identifiers: ClinVar variation 878003 (VCV000878003.7), dbSNP rs780474749, ClinGen allele CA6352337.